The following is an entry in ClinVar:

NM_013450.4(BAZ2B):c.1987A>G (p.Thr663Ala)

Gene: BAZ2B (bromodomain adjacent to zinc finger domain 2B; minus strand). Cytogenetic location: 2q24.2.
Variant type: single nucleotide variant.
Coding change: c.1987A>G on transcript NM_013450.4 (MANE Select); coding-DNA position 1987, A replaced by G.
Protein change: p.Thr663Ala; replaces threonine 663 with alanine.
Molecular consequence: missense variant.
Genome position (GRCh38, 1-based): chr2:159,431,070, T>C on the plus strand (A>G on the coding strand, the complement: BAZ2B is on the minus strand). VCF-style: chr2-159431070-T-C. GRCh37 (hg19) VCF-style: chr2-160287581-T-C.
Other names: c.1981A>G, p.Thr661Ala (NM_001289975.1); c.1798A>G, p.Thr600Ala (NM_001329857.2); c.1987A>G, p.Thr663Ala (NM_001329858.2); short protein forms T600A, T661A, T663A.
Identifiers: ClinVar variation 5017834 (VCV005017834.1).

ClinVar aggregate classification (germline): Uncertain significance (1 of 4 stars; one submission).

Submission:

GeneDx
Classification: Uncertain significance. Last evaluated: 2026-04-04. Review status: criteria provided, single submitter. Criteria: GeneDx Variant Classification Process June 2021. Collection method: clinical testing. Allele origin: germline.
Comment: Not observed at significant frequency in large population cohorts (gnomAD); In silico analysis suggests that this missense variant does not alter protein structure/function; Has not been previously published as pathogenic or benign to our knowledge